The following is an entry in ClinVar:

ClinVar aggregate classification (germline): Uncertain significance (1 of 4 stars; one submission).

Conditions:
Hajdu-Cheney syndrome (HJCYS). Also called: Acroosteolysis dominant type; ACROOSTEOLYSIS WITH OSTEOPOROSIS AND CHANGES IN SKULL AND MANDIBLE; SERPENTINE FIBULA-POLYCYSTIC KIDNEY SYNDROME. Identifiers: Orphanet 955, MedGen C0917715, MONDO:0007057, OMIM 102500.

gnomAD v4.1: 2 of 1,614,150 alleles (0.00012%); highest among the groups gnomAD compares: Admixed American, 0.0017%; no homozygotes.

Submission:

Labcorp Genetics (formerly Invitae), Labcorp
Classification: Uncertain significance for Hajdu-Cheney syndrome. Last evaluated: 2025-09-10. Review status: criteria provided, single submitter. Criteria: Invitae Variant Classification Sherloc (09022015). Collection method: clinical testing. Allele origin: germline.
Comment: This sequence change replaces glutamic acid, which is acidic and polar, with lysine, which is basic and polar, at codon 1586 of the NOTCH2 protein (p.Glu1586Lys). This variant is not present in population databases (gnomAD no frequency). This variant has not been reported in the literature in individuals affected with NOTCH2-related conditions. Invitae Evidence Modeling of protein sequence and biophysical properties (such as structural, functional, and spatial information, amino acid conservation, physicochemical variation, residue mobility, and thermodynamic stability) indicates that this missense variant is not expected to disrupt NOTCH2 protein function with a negative predictive value of 80%. In summary, the available evidence is currently insufficient to determine the role of this variant in disease. Therefore, it has been classified as a Variant of Uncertain Significance.

NM_024408.4(NOTCH2):c.4756G>A (p.Glu1586Lys)

Gene: NOTCH2 (notch receptor 2; minus strand). Cytogenetic location: 1p12.
Variant type: single nucleotide variant.
Coding change: c.4756G>A on transcript NM_024408.4 (MANE Select); coding-DNA position 4756, G replaced by A.
Protein change: p.Glu1586Lys; replaces glutamic acid 1586 with lysine.
Molecular consequence: missense variant.
Genome position (GRCh38, 1-based): chr1:119,923,740, C>T on the plus strand (G>A on the coding strand, the complement: NOTCH2 is on the minus strand). VCF-style: chr1-119923740-C-T. GRCh37 (hg19) VCF-style: chr1-120466363-C-T.
Other names: short protein forms E1586K.
Identifiers: ClinVar variation 4751086 (VCV004751086.1).
Genomic context (GRCh38, chr1:119,923,740, plus strand): 5'-TCATCCTCTGTTTCTTCATAGCAGCTGACTTCTCACCATAATAGGGGTACACCATGAGTT[C>T]CCCCTGGGAGTCCCGCTTAATGCGCAGGTTGGTGTGGAGCAGGGTACCCAGTGCCCGCAA-3'
Protein context (NP_077719.2, residues 1576-1596): NLRIKRDSQG[Glu1586Lys]LMVYPYYGEK